The following is an entry in ClinVar:

ClinVar aggregate classification (germline): Likely pathogenic (1 of 4 stars; one submission).

Conditions:
X-linked Alport syndrome (ATS1). Also called: NEPHROPATHY AND DEAFNESS, X-LINKED; COL4A5-Related Nephropathy. Identifiers: Orphanet 63, Orphanet 88917, MedGen C4746986, MONDO:0010520, OMIM 301050.

Submission:

Genetics laboratory, Institute of Kidney Diseases & Research Centre Dr. H.L. Trivedi Institute Of Transplantation Sciences
Classification: Likely pathogenic for X-linked Alport syndrome. Last evaluated: 2025-11-30. Review status: criteria provided, single submitter. Criteria: ACMG Guidelines, 2015. Collection method: clinical testing. Allele origin: germline. Inheritance: X-linked dominant inheritance. Affected: yes. Observed: 1 variant allele, 1 hemizygote.
Comment: The COL4A5:c.2605G>T (p.Gly869*) variant is classified as Pathogenic according to American College of Medical Genetics and Genomics 2015 guidelines. This nonsense variant introduces a premature stop codon, leading to a truncated protein or nonsense-mediated mRNA decay, a well-established loss-of-function mechanism in Alport syndrome (PVS1). The variant is absent/rare in population databases (PM2).

NM_033380.3(COL4A5):c.2605G>T (p.Gly869Ter)

Gene: COL4A5 (collagen type IV alpha 5 chain; plus strand). Cytogenetic location: Xq22.3.
Variant type: single nucleotide variant.
Coding change: c.2605G>T on transcript NM_033380.3 (MANE Select); coding-DNA position 2605, G replaced by T.
Protein change: p.Gly869Ter; replaces glycine 869 with a stop codon.
Molecular consequence: nonsense.
Genome position (GRCh38, 1-based): chrX:108,620,354, G>T. VCF-style: chrX-108620354-G-T. GRCh37 (hg19) VCF-style: chrX-107863584-G-T.
Other names: c.2605G>T, p.Gly869Ter (NM_000495.5); short protein forms G869*.
Identifiers: ClinVar variation 4850890 (VCV004850890.1).
Genomic context (GRCh38, chrX:108,620,354, plus strand): 5'-GGACCTCCTGGACTTGATGTTCCAGGACCCCCAGGTGAAAGAGGCAGTCCAGGGATCCCC[G>T]GAGCACCTGGTCCTATAGGACCTCCAGGATCACCAGGGCTTCCAGGAAAAGCAGGTGCCT-3'